The following is an entry in ClinVar:

ClinVar aggregate classification (germline): Uncertain significance (1 of 4 stars; one submission).

Submission:

Dasa
Classification: Uncertain significance. Last evaluated: 2026-01-21. Review status: criteria provided, single submitter. Criteria: DASA Assertion Criteria. Collection method: clinical testing. Allele origin: germline.
Comment: NM_015205.3(ATP11A):c.2991+6T>C is a splice-region variant. This variant is rare in population databases. Computational prediction algorithms are consistent with a deleterious effect. The currently available literature and clinical evidence are not sufficient to establish a definitive association between this variant and the reported condition. Therefore, this variant is classified as a variant of uncertain significance.

NM_015205.3(ATP11A):c.2991+6T>C

Gene: ATP11A (ATPase phospholipid transporting 11A; plus strand). Cytogenetic location: 13q34.
Variant type: single nucleotide variant.
Coding change: c.2991+6T>C on transcript NM_015205.3 (MANE Select); 6 bases into the intron after coding-DNA position 2991, T replaced by C.
Molecular consequence: intron variant.
Genome position (GRCh38, 1-based): chr13:112,862,581, T>C. VCF-style: chr13-112862581-T-C. GRCh37 (hg19) VCF-style: chr13-113516895-T-C.
Other names: c.2991+6T>C (NM_001405663.1, NM_001405661.1, NM_032189.4 and 1 more transcripts).
Identifiers: ClinVar variation 4885784 (VCV004885784.2).